The following is an entry in ClinVar:

ClinVar aggregate classification (germline): Likely benign (0 of 4 stars; one submission).

Conditions:
OAS1-related disorder. Also called: OAS1-related condition.

Allele frequency attached by ClinVar (database versions not stated): gnomAD 0.00001; gnomAD exomes 0.00001; TOPMed 0.00002.
gnomAD v4.1: 16 of 1,614,020 alleles (0.00099%); highest among the groups gnomAD compares: African/African-American, 0.0013%; no homozygotes.

Submission:

PreventionGenetics, part of Exact Sciences
Classification: Likely benign for OAS1-related condition. Last evaluated: 2019-10-23. Review status: no assertion criteria provided. Collection method: clinical testing. Allele origin: germline.
Comment: This variant is classified as likely benign based on ACMG/AMP sequence variant interpretation guidelines (Richards et al. 2015 PMID: 25741868, with internal and published modifications).

NM_016816.4(OAS1):c.1038+64T>C

Gene: OAS1 (2'-5'-oligoadenylate synthetase 1; plus strand). Cytogenetic location: 12q24.13.
Variant type: single nucleotide variant.
Coding change: c.1038+64T>C on transcript NM_016816.4 (MANE Select); 64 bases into the intron after coding-DNA position 1038, T replaced by C.
Molecular consequence: intron variant. On other transcripts: 3 prime UTR variant (3), non-coding transcript variant (2).
Genome position (GRCh38, 1-based): chr12:112,917,764, T>C. VCF-style: chr12-112917764-T-C. GRCh37 (hg19) VCF-style: chr12-113355569-T-C.
Other names: c.*7T>C (NM_001406024.1, NM_001406030.1, NM_002534.4); c.1038+64T>C (NM_001320151.2, NM_001406022.1, NM_001032409.3); c.1014+64T>C (NM_001406025.1, NM_001406023.1, NM_001406021.1 and 1 more transcripts); c.564+64T>C (NM_001406029.1, NM_001406027.1, NM_001406026.1).
Identifiers: ClinVar variation 3046846 (VCV003046846.2), dbSNP rs756215459, ClinGen allele CA243753333.
Genomic context (GRCh38, chr12:112,917,764, plus strand): 5'-AGACCTCCTGCTTCCTCCCTGCCATTCATCCCTGCCCCTCTCCATGAAGCTTGAGACATA[T>C]AGCTGGAGACCATTCTTTCCAAAGAACTTACCTCTTGCCAAAGGCCATTTATATTCATAT-3'